The following is an entry in ClinVar:

ClinVar aggregate classification (germline): Uncertain significance. Review status: criteria provided, multiple submitters, no conflicts (2 of 4 stars). 2 submissions from 2 submitters: Uncertain significance (2). Last evaluated 2022-07-05.

Allele frequency attached by ClinVar (database versions not stated): gnomAD 0.00001; ExAC 0.00002; gnomAD exomes 0.00002.
gnomAD v4.1: 9 of 1,209,940 alleles (0.00074%); highest among the groups gnomAD compares: Admixed American, 0.02%; no homozygotes.

Submissions (2):

Ambry Genetics
Classification: Uncertain significance. Last evaluated: 2022-07-05. Review status: criteria provided, single submitter. Criteria: Ambry Variant Classification Scheme 2023. Collection method: clinical testing. Allele origin: germline.

Labcorp Genetics (formerly Invitae), Labcorp
Classification: Uncertain significance. Last evaluated: 2022-02-24. Review status: criteria provided, single submitter. Criteria: Invitae Variant Classification Sherloc (09022015). Collection method: clinical testing. Allele origin: germline.
Comment: Algorithms developed to predict the effect of missense changes on protein structure and function are either unavailable or do not agree on the potential impact of this missense change (SIFT: "Tolerated"; PolyPhen-2: "Probably Damaging"; Align-GVGD: "Class C0"). In summary, the available evidence is currently insufficient to determine the role of this variant in disease. Therefore, it has been classified as a Variant of Uncertain Significance. This variant has not been reported in the literature in individuals affected with TBC1D8B-related conditions. This variant is present in population databases (rs748273494, gnomAD 0.03%). This sequence change replaces leucine, which is neutral and non-polar, with valine, which is neutral and non-polar, at codon 1022 of the TBC1D8B protein (p.Leu1022Val).

NM_017752.3(TBC1D8B):c.3064C>G (p.Leu1022Val)

Gene: TBC1D8B (TBC1 domain family member 8B; plus strand). Cytogenetic location: Xq22.3.
Variant type: single nucleotide variant.
Coding change: c.3064C>G on transcript NM_017752.3 (MANE Select); coding-DNA position 3064, C replaced by G.
Protein change: p.Leu1022Val; replaces leucine 1022 with valine.
Molecular consequence: missense variant.
Genome position (GRCh38, 1-based): chrX:106,873,666, C>G. VCF-style: chrX-106873666-C-G. GRCh37 (hg19) VCF-style: chrX-106116896-C-G.
Other names: short protein forms L1022V.
Identifiers: ClinVar variation 1956700 (VCV001956700.6), dbSNP rs748273494, ClinGen allele CA10483496.